The following is an entry in ClinVar:

NM_005051.3(QARS1):c.884A>C (p.Asn295Thr)

Gene: QARS1 (glutaminyl-tRNA synthetase 1; minus strand). Cytogenetic location: 3p21.31.
Variant type: single nucleotide variant.
Coding change: c.884A>C on transcript NM_005051.3 (MANE Select); coding-DNA position 884, A replaced by C.
Protein change: p.Asn295Thr; replaces asparagine 295 with threonine.
Molecular consequence: missense variant. On other transcripts: non-coding transcript variant (1).
Genome position (GRCh38, 1-based): chr3:49,100,667, T>G on the plus strand (A>C on the coding strand, the complement: QARS1 is on the minus strand). VCF-style: chr3-49100667-T-G. GRCh37 (hg19) VCF-style: chr3-49138100-T-G.
Other names: c.851A>C, p.Asn284Thr (NM_001272073.2); short protein forms N295T, N284T.
Identifiers: ClinVar variation 452972 (VCV000452972.2), dbSNP rs540036773, ClinGen allele CA352712781.

ClinVar aggregate classification (germline): Uncertain significance (1 of 4 stars; one submission).

Submission:

GeneDx
Classification: Uncertain significance. Last evaluated: 2017-10-26. Review status: criteria provided, single submitter. Criteria: GeneDx Variant Classification (06012015). Collection method: clinical testing. Allele origin: germline. Affected: yes.
Comment: A variant of uncertain significance has been identified in the QARS gene. The N295T variant has notbeen published as a pathogenic variant, nor has it been reported as a benign variant to our knowledge. The N295T variant is not observed in large population cohorts (Lek et al., 2016). The N295T variant is a conservative amino acid substitution, which is not likely to impact secondary protein structure as these residues share similar properties. However, this substitution occurs at a position that is conserved in mammals, and in silico analysis predicts this variant is probably damaging to the protein structure/function. Therefore, based on the currently available information, it is unclear whether this variant is a pathogenic variant or a rare benign variant.